The following is an entry in ClinVar:

ClinVar aggregate classification (germline): Likely benign (0 of 4 stars; one submission).

Conditions:
RNF213-related disorder. Also called: RNF213-related condition.

Allele frequency attached by ClinVar (database versions not stated): TOPMed 0.00004; gnomAD 0.00005; ExAC 0.00006; gnomAD exomes 0.00006; ESP Exome Variant Server 0.00015; 1000 Genomes Project 30x 0.00016; 1000 Genomes Project 0.00020.
gnomAD v4.1: 91 of 1,614,222 alleles (0.0056%); highest among the groups gnomAD compares: Non-Finnish European, 0.0069%; no homozygotes.

Submission:

PreventionGenetics, part of Exact Sciences
Classification: Likely benign for RNF213-related condition. Last evaluated: 2019-09-09. Review status: no assertion criteria provided. Collection method: clinical testing. Allele origin: germline.
Comment: This variant is classified as likely benign based on ACMG/AMP sequence variant interpretation guidelines (Richards et al. 2015 PMID: 25741868, with internal and published modifications).

NM_001256071.3(RNF213):c.14739C>T (p.Ala4913=)

Genes: RNF213 (ring finger protein 213; plus strand), RNF213-AS1 (RNF213 antisense RNA 1; minus strand). Cytogenetic location: 17q25.3.
Variant type: single nucleotide variant.
Coding change: c.14739C>T on transcript NM_001256071.3 (MANE Select); coding-DNA position 14739, C replaced by T.
Protein change: p.Ala4913=; no amino-acid change (alanine 4913 retained).
Molecular consequence: synonymous variant.
Genome position (GRCh38, 1-based): chr17:80,386,708, C>T. VCF-style: chr17-80386708-C-T. GRCh37 (hg19) VCF-style: chr17-78360508-C-T.
Other names: c.14886C>T, p.Ala4962= (NM_001410195.1, NM_020914.5).
Identifiers: ClinVar variation 3041120 (VCV003041120.2), dbSNP rs150645206, ClinGen allele CA8823076.